The following is an entry in ClinVar:

NM_020706.2(SCAF4):c.887C>G (p.Pro296Arg)

Gene: SCAF4 (SR-related CTD associated factor 4; minus strand). Cytogenetic location: 21q22.11.
Variant type: single nucleotide variant.
Coding change: c.887C>G on transcript NM_020706.2 (MANE Select); coding-DNA position 887, C replaced by G.
Protein change: p.Pro296Arg; replaces proline 296 with arginine.
Molecular consequence: missense variant.
Genome position (GRCh38, 1-based): chr21:31,696,641, G>C on the plus strand (C>G on the coding strand, the complement: SCAF4 is on the minus strand). VCF-style: chr21-31696641-G-C. GRCh37 (hg19) VCF-style: chr21-33068954-G-C.
Other names: c.842C>G, p.Pro281Arg (NM_001145444.1); c.887C>G, p.Pro296Arg (NM_001145445.1); short protein forms P281R, P296R.
Identifiers: ClinVar variation 2560816 (VCV002560816.8), dbSNP rs748174835, ClinGen allele CA9999756.

ClinVar aggregate classification (germline): Conflicting classifications of pathogenicity. Review status: criteria provided, conflicting classifications (1 of 4 stars). 2 submissions from 2 submitters: Uncertain significance (1); Likely benign (1). Last evaluated 2025-11-01.

Conditions:
Inborn genetic diseases. Identifiers: MedGen C0950123, MeSH D030342.

Allele frequency attached by ClinVar (database versions not stated): gnomAD 0.00001; ExAC 0.00005.
gnomAD v4.1: 33 of 1,613,888 alleles (0.002%); highest among the groups gnomAD compares: South Asian, 0.032%; no homozygotes.

Submissions (2):

CeGaT Center for Human Genetics Tuebingen
Classification: Likely benign. Last evaluated: 2025-11-01. Review status: criteria provided, single submitter. Criteria: CeGaT Center For Human Genetics Tuebingen Variant Classification Criteria Version 2. Collection method: clinical testing. Allele origin: germline. Affected: yes. Observed: 1 variant allele.
Comment: SCAF4: BP4

Ambry Genetics
Classification: Uncertain significance for Inborn genetic diseases. Last evaluated: 2023-05-23. Review status: criteria provided, single submitter. Criteria: Ambry Variant Classification Scheme 2023. Collection method: clinical testing. Allele origin: germline.